The following is an entry in ClinVar:

ClinVar aggregate classification (germline): Likely pathogenic (1 of 4 stars; one submission).

Conditions:
Spongy degeneration of central nervous system. Also called: ACY2 DEFICIENCY; AMINOACYLASE 2 DEFICIENCY; ASP DEFICIENCY; ASPA DEFICIENCY; ASPARTOACYLASE DEFICIENCY; CANAVAN-VAN BOGAERT-BERTRAND DISEASE. Identifiers: Orphanet 141, MedGen C0206307, MONDO:0010079, OMIM 271900.

Submission:

Labcorp Genetics (formerly Invitae), Labcorp
Classification: Likely pathogenic for Spongy degeneration of central nervous system. Last evaluated: 2022-07-14. Review status: criteria provided, single submitter. Criteria: Invitae Variant Classification Sherloc (09022015). Collection method: clinical testing. Allele origin: germline.
Comment: This variant is not present in population databases (gnomAD no frequency). This sequence change affects a donor splice site in intron 3 of the ASPA gene. It is expected to disrupt RNA splicing. Variants that disrupt the donor or acceptor splice site typically lead to a loss of protein function (PMID: 16199547), and loss-of-function variants in ASPA are known to be pathogenic (PMID: 12638939). In summary, the currently available evidence indicates that the variant is pathogenic, but additional data are needed to prove that conclusively. Therefore, this variant has been classified as Likely Pathogenic. Algorithms developed to predict the effect of sequence changes on RNA splicing suggest that this variant may disrupt the consensus splice site. This variant has not been reported in the literature in individuals affected with ASPA-related conditions.

Literature cited by the submitters: PubMed 16199547; PubMed 12638939.

NM_000049.4(ASPA):c.526+1G>C

Genes: ASPA (aspartoacylase; plus strand), SPATA22 (spermatogenesis associated 22; minus strand). Cytogenetic location: 17p13.2.
Variant type: single nucleotide variant.
Coding change: c.526+1G>C on transcript NM_000049.4 (MANE Select); the canonical splice donor site of the intron after coding-DNA position 526, G replaced by C.
Molecular consequence: splice donor variant. On other transcripts: intron variant (2).
Genome position (GRCh38, 1-based): chr17:3,483,593, G>C. VCF-style: chr17-3483593-G-C. GRCh37 (hg19) VCF-style: chr17-3386887-G-C.
Other names: c.-73-14195C>G (NM_001321336.2, NM_001321337.2); c.526+1G>C (NM_001128085.1).
Identifiers: ClinVar variation 2016929 (VCV002016929.4), dbSNP rs2543624765, ClinGen allele CA397682874.